The following is an entry in ClinVar:

NM_138694.4(PKHD1):c.1425C>T (p.Asn475=)

Gene: PKHD1 (PKHD1 ciliary IPT domain containing fibrocystin/polyductin; minus strand). Cytogenetic location: 6p12.2.
Variant type: single nucleotide variant.
Coding change: c.1425C>T on transcript NM_138694.4 (MANE Select); coding-DNA position 1425, C replaced by T.
Protein change: p.Asn475=; no amino-acid change (asparagine 475 retained).
Molecular consequence: synonymous variant.
Genome position (GRCh38, 1-based): chr6:52,058,410, G>A on the plus strand (C>T on the coding strand, the complement: PKHD1 is on the minus strand). VCF-style: chr6-52058410-G-A. GRCh37 (hg19) VCF-style: chr6-51923208-G-A.
Other names: c.1425C>T, p.Asn475= (NM_170724.3).
Identifiers: ClinVar variation 1121658 (VCV001121658.35), dbSNP rs200745148, ClinGen allele CA3853562.
Genomic context (GRCh38, chr6:52,058,410, plus strand): 5'-GACTCGGATCTGGTGCTTCTCCCGTAGGTAAGTGGTGACCACATCAGGATTCAGCCAGGT[G>A]TTGTGAATCTGGACACCAATCCTCATCCCCCTGCTTGGGGCTATCCCATGATGCTCTGCT-3'
Protein context (NP_619639.3, residues 465-485): RGMRIGVQIH[Asn475=]TWLNPDVVTT

ClinVar aggregate classification (germline): Conflicting classifications of pathogenicity. Review status: criteria provided, conflicting classifications (1 of 4 stars). 3 submissions from 3 submitters: Uncertain significance (1); Likely benign (2). Last evaluated 2024-01-24.

Conditions:
Polycystic kidney disease 4 (PKD4). Also called: POLYCYSTIC KIDNEY DISEASE 4 WITH OR WITHOUT POLYCYSTIC LIVER DISEASE; PKD3; Autosomal Recessive Polycystic Kidney Disease – PKHD1; POLYCYSTIC KIDNEY AND HEPATIC DISEASE 1; POLYCYSTIC KIDNEY DISEASE, INFANTILE, TYPE I. Identifiers: MedGen C4540575, MONDO:0033004, OMIM 263200.
Autosomal recessive polycystic kidney disease (ARPKD). Also called: AR polycystic kidney disease. Identifiers: Orphanet 731, Orphanet 8378, MedGen C0085548, MeSH D017044, MONDO:0009889.

Allele frequency attached by ClinVar (database versions not stated): ExAC 0.00001; gnomAD 0.00001; gnomAD exomes 0.00001 and 0.00003; TOPMed 0.00001.
gnomAD v4.1: 50 of 1,614,034 alleles (0.0031%); highest among the groups gnomAD compares: Non-Finnish European, 0.0042%; no homozygotes.

Submissions (3):

Fulgent Genetics
Classification: Uncertain significance for Polycystic kidney disease 4. Last evaluated: 2024-01-24. Review status: criteria provided, single submitter. Criteria: ACMG Guidelines, 2015. Collection method: clinical testing. Allele origin: germline.

Labcorp Genetics (formerly Invitae), Labcorp
Classification: Likely benign for Autosomal recessive polycystic kidney disease. Last evaluated: 2024-01-24. Review status: criteria provided, single submitter. Criteria: Invitae Variant Classification Sherloc (09022015). Collection method: clinical testing. Allele origin: germline.

CeGaT Center for Human Genetics Tuebingen
Classification: Likely benign. Last evaluated: 2023-08-01. Review status: criteria provided, single submitter. Criteria: CeGaT Center For Human Genetics Tuebingen Variant Classification Criteria Version 2. Collection method: clinical testing. Allele origin: germline. Affected: yes. Observed: 1 variant allele.
Comment: PKHD1: BP4